The following is an entry in ClinVar:

NM_145690.3(YWHAZ):c.229C>A (p.Gln77Lys)

Gene: YWHAZ (tyrosine 3-monooxygenase/tryptophan 5-monooxygenase activation protein zeta; minus strand). Cytogenetic location: 8q22.3.
Variant type: single nucleotide variant.
Coding change: c.229C>A on transcript NM_145690.3 (MANE Select); coding-DNA position 229, C replaced by A.
Protein change: p.Gln77Lys; replaces glutamine 77 with lysine.
Molecular consequence: missense variant.
Genome position (GRCh38, 1-based): chr8:100,948,661, G>T on the plus strand (C>A on the coding strand, the complement: YWHAZ is on the minus strand). VCF-style: chr8-100948661-G-T. GRCh37 (hg19) VCF-style: chr8-101960889-G-T.
Other names: c.229C>A, p.Gln77Lys (NM_001135699.2, NM_001135700.2, NM_001135701.2 and 2 more transcripts); short protein forms Q77K.
Identifiers: ClinVar variation 3384454 (VCV003384454.1).

ClinVar aggregate classification (germline): Uncertain significance (1 of 4 stars; one submission).

Submission:

GeneDx
Classification: Uncertain significance. Last evaluated: 2024-06-01. Review status: criteria provided, single submitter. Criteria: GeneDx Variant Classification Process June 2021. Collection method: clinical testing. Allele origin: germline. Affected: yes.
Comment: Not observed at significant frequency in large population cohorts (gnomAD); In silico analysis supports that this missense variant has a deleterious effect on protein structure/function; Has not been previously published as pathogenic or benign to our knowledge